The following is an entry in ClinVar:

NM_007074.4(CORO1A):c.463G>A (p.Val155Met)

Gene: CORO1A (coronin 1A; plus strand). Cytogenetic location: 16p11.2.
Variant type: single nucleotide variant.
Coding change: c.463G>A on transcript NM_007074.4 (MANE Select); coding-DNA position 463, G replaced by A.
Protein change: p.Val155Met; replaces valine 155 with methionine.
Molecular consequence: missense variant.
Genome position (GRCh38, 1-based): chr16:30,187,050, G>A. VCF-style: chr16-30187050-G-A. GRCh37 (hg19) VCF-style: chr16-30198371-G-A.
Other names: c.463G>A, p.Val155Met (NM_001193333.3); short protein forms V155M.
Identifiers: ClinVar variation 1364917 (VCV001364917.6), dbSNP rs765244440, ClinGen allele CA8003142.
Genomic context (GRCh38, chr16:30,187,050, plus strand): 5'-GGATGAGGGCAGGAGGCTCATGGCTTCTGACACTGTGGGGAACGTGCAGGTTGTGACAAC[G>A]TGATCATGGTGTGGGACGTGGGCACTGGGGCGGCCATGCTGACACTGGGCCCAGAGGTGC-3'
Protein context (NP_009005.1, residues 145-165): NVLLSAGCDN[Val155Met]IMVWDVGTGA

ClinVar aggregate classification (germline): Uncertain significance. Review status: criteria provided, multiple submitters, no conflicts (2 of 4 stars). 2 submissions from 2 submitters: Uncertain significance (2). Last evaluated 2021-11-17.

Conditions:
Severe combined immunodeficiency due to CORO1A deficiency. Also called: Immunodeficiency 8; IMMUNODEFICIENCY 8 WITH LYMPHOPROLIFERATION. Identifiers: Orphanet 228003, MedGen C3809383, MONDO:0014168, OMIM 615401.

Allele frequency attached by ClinVar (database versions not stated): ExAC 0.00001; gnomAD 0.00001; gnomAD exomes 0.00001; TOPMed 0.00002.
gnomAD v4.1: 20 of 1,613,944 alleles (0.0012%); highest among the groups gnomAD compares: East Asian, 0.0022%; no homozygotes.

Submissions (2):

Blueprint Genetics
Classification: Uncertain significance. Last evaluated: 2021-11-17. Review status: criteria provided, single submitter. Criteria: ACMG Guidelines, 2015. Collection method: clinical testing. Allele origin: germline.

Labcorp Genetics (formerly Invitae), Labcorp
Classification: Uncertain significance for Severe combined immunodeficiency due to CORO1A deficiency. Last evaluated: 2021-09-24. Review status: criteria provided, single submitter. Criteria: Invitae Variant Classification Sherloc (09022015). Collection method: clinical testing. Allele origin: germline.
Comment: This sequence change replaces valine with methionine at codon 155 of the CORO1A protein (p.Val155Met). The valine residue is moderately conserved and there is a small physicochemical difference between valine and methionine. This variant is present in population databases (rs765244440, ExAC 0.002%). This variant has not been reported in the literature in individuals with CORO1A-related conditions. Algorithms developed to predict the effect of missense changes on protein structure and function (SIFT, PolyPhen-2, Align-GVGD) all suggest that this variant is likely to be tolerated, but these predictions have not been confirmed by published functional studies and their clinical significance is uncertain. In summary, the available evidence is currently insufficient to determine the role of this variant in disease. Therefore, it has been classified as a Variant of Uncertain Significance.